The following is an entry in ClinVar:

NM_206933.4(USH2A):c.5945G>A (p.Gly1982Asp)

Gene: USH2A (usherin; minus strand). Cytogenetic location: 1q41.
Variant type: single nucleotide variant.
Coding change: c.5945G>A on transcript NM_206933.4 (MANE Select); coding-DNA position 5945, G replaced by A.
Protein change: p.Gly1982Asp; replaces glycine 1982 with aspartic acid.
Molecular consequence: missense variant.
Genome position (GRCh38, 1-based): chr1:216,070,205, C>T on the plus strand (G>A on the coding strand, the complement: USH2A is on the minus strand). VCF-style: chr1-216070205-C-T. GRCh37 (hg19) VCF-style: chr1-216243547-C-T.
Other names: short protein forms G1982D.
Identifiers: ClinVar variation 968809 (VCV000968809.4), dbSNP rs765590481, ClinGen allele CA1395293.

ClinVar aggregate classification (germline): Uncertain significance. Review status: criteria provided, single submitter (1 of 4 stars). 2 submissions from 2 submitters: Uncertain significance (1). 1 of the submissions does not count toward it. Last evaluated 2021-08-31.

Conditions:
Usher syndrome type 2A. Also called: RETINAL DISEASE IN USHER SYNDROME TYPE IIA, MODIFIER OF; USHER SYNDROME, TYPE IIA. Identifiers: Orphanet 231178, Orphanet 886, MedGen C1848634, MONDO:0010169, OMIM 276901.

Allele frequency attached by ClinVar (database versions not stated): ExAC 0.00001; gnomAD 0.00001; TOPMed 0.00001; gnomAD exomes 0.00002.
gnomAD v4.1: 37 of 1,613,844 alleles (0.0023%); highest among the groups gnomAD compares: Non-Finnish European, 0.0031%; no homozygotes.

Submissions (2):

Labcorp Genetics (formerly Invitae), Labcorp
Classification: Uncertain significance. Last evaluated: 2021-08-31. Review status: criteria provided, single submitter. Criteria: Invitae Variant Classification Sherloc (09022015). Collection method: clinical testing. Allele origin: germline.
Comment: This sequence change replaces glycine with aspartic acid at codon 1982 of the USH2A protein (p.Gly1982Asp). The glycine residue is highly conserved and there is a moderate physicochemical difference between glycine and aspartic acid. This variant is present in population databases (rs765590481, ExAC 0.002%). This variant has not been reported in the literature in individuals affected with USH2A-related conditions. Algorithms developed to predict the effect of missense changes on protein structure and function are either unavailable or do not agree on the potential impact of this missense change (SIFT: "Deleterious"; PolyPhen-2: "Probably Damaging"; Align-GVGD: "Class C0"). In summary, the available evidence is currently insufficient to determine the role of this variant in disease. Therefore, it has been classified as a Variant of Uncertain Significance.

Natera, Inc.
Classification: Uncertain significance for Usher syndrome type 2A. Last evaluated: 2021-05-24. Review status: no assertion criteria provided. Collection method: clinical testing. Allele origin: germline. Not counted in ClinVar's aggregate classification.